The following is an entry in ClinVar:

ClinVar aggregate classification (germline): Conflicting classifications of pathogenicity. Review status: criteria provided, conflicting classifications (1 of 4 stars). 4 submissions from 4 submitters: Uncertain significance (2); Likely benign (2). Last evaluated 2026-01-10.

Conditions:
Catecholaminergic polymorphic ventricular tachycardia 1. Also called: VENTRICULAR TACHYCARDIA, CATECHOLAMINERGIC POLYMORPHIC, 1, WITH OR WITHOUT ATRIAL DYSFUNCTION AND/OR DILATED CARDIOMYOPATHY; RYR2-Related Catecholaminergic Polymorphic Ventricular Tachycardia; VENTRICULAR TACHYCARDIA, STRESS-INDUCED POLYMORPHIC 1. Identifiers: Orphanet 3286, MedGen C1631597, MONDO:0011484, OMIM 604772.
Catecholaminergic polymorphic ventricular tachycardia (CVPT). Also called: Catecholamine-induced polymorphic ventricular tachycardia. Identifiers: Orphanet 3286, MedGen C5574922, MONDO:0017990.
Cardiovascular phenotype. Identifiers: MedGen CN230736.
Cardiomyopathy (CMYO). Also called: Cardiomyopathies. Identifiers: Orphanet 167848, MedGen C0878544, MONDO:0004994, HP:0001638. Inheritance: Various modes of inheritance.

Allele frequency attached by ClinVar (database versions not stated): gnomAD exomes 0.00001; gnomAD 0.00002; TOPMed 0.00003.
gnomAD v4.1: 18 of 1,403,044 alleles (0.0013%); highest among the groups gnomAD compares: Admixed American, 0.0078%; 1 homozygote.

Submissions (4):

Labcorp Genetics (formerly Invitae), Labcorp
Classification: Uncertain significance for Catecholaminergic polymorphic ventricular tachycardia 1. Last evaluated: 2026-01-10. Review status: criteria provided, single submitter. Criteria: Invitae Variant Classification Sherloc (09022015). Collection method: clinical testing. Allele origin: germline.
Comment: This sequence change falls in intron 93 of the RYR2 gene. It does not directly change the encoded amino acid sequence of the RYR2 protein. It affects a nucleotide within the consensus splice site. The frequency data for this variant in the population databases is considered unreliable, as metrics indicate poor data quality at this position in the gnomAD database. This variant has not been reported in the literature in individuals affected with RYR2-related conditions. ClinVar contains an entry for this variant (Variation ID: 925601). Variants that disrupt the consensus splice site are a relatively common cause of aberrant splicing (PMID: 17576681, 9536098). Algorithms developed to predict the effect of sequence changes on RNA splicing suggest that this variant is not likely to affect RNA splicing. In summary, the available evidence is currently insufficient to determine the role of this variant in disease. Therefore, it has been classified as a Variant of Uncertain Significance.

All of Us Research Program, National Institutes of Health
Classification: Likely benign for Catecholaminergic polymorphic ventricular tachycardia. Last evaluated: 2023-10-02. Review status: criteria provided, single submitter. Criteria: ACMG Guidelines, 2015. Collection method: clinical testing. Allele origin: germline. Inheritance: Autosomal dominant inheritance. Observed: 1 variant allele, 1 heterozygote.
Comment: This study involves interpretation of variants in research participants for the purpose of population health screening. Participant phenotype was not available at the time of variant classification. Additional details can be found in publication PMID: 35346344, PMCID: PMC8962531

Ambry Genetics
Classification: Uncertain significance for Cardiovascular phenotype. Last evaluated: 2023-05-18. Review status: criteria provided, single submitter. Criteria: Ambry Variant Classification Scheme 2023. Collection method: clinical testing. Allele origin: germline.
Comment: The c.13563+4C>T intronic variant results from a C to T substitution 4 nucleotides after coding exon 93 in the RYR2 gene. This nucleotide position is poorly conserved in available vertebrate species. In silico splice site analysis predicts that this alteration will not have any significant effect on splicing. Since supporting evidence is limited at this time, the clinical significance of this alteration remains unclear.

Color Diagnostics, LLC DBA Color Health
Classification: Likely benign for Cardiomyopathy. Last evaluated: 2018-12-03. Review status: criteria provided, single submitter. Criteria: ACMG Guidelines, 2015. Collection method: clinical testing. Allele origin: germline.

Literature cited by the submitters: PubMed 17576681 (cited by Labcorp Genetics (formerly Invitae), Labcorp); PubMed 9536098 (cited by Labcorp Genetics (formerly Invitae), Labcorp).

NM_001035.3(RYR2):c.13563+4C>T

Gene: RYR2 (ryanodine receptor 2; plus strand). Cytogenetic location: 1q43.
Variant type: single nucleotide variant.
Coding change: c.13563+4C>T on transcript NM_001035.3 (MANE Select); 4 bases into the intron after coding-DNA position 13563, C replaced by T.
Molecular consequence: intron variant.
Genome position (GRCh38, 1-based): chr1:237,791,519, C>T. VCF-style: chr1-237791519-C-T. GRCh37 (hg19) VCF-style: chr1-237954819-C-T.
Other names: c.13563+4C>T (NM_001035.2).
Identifiers: ClinVar variation 925601 (VCV000925601.12), dbSNP rs926460699, ClinGen allele CA39831932.
Genomic context (GRCh38, chr1:237,791,519, plus strand): 5'-AGAATGTTAGCCTTATTTGTCGCATTTGCTATCAATTTCATCTTGCTCTTTTATAAGGTA[C>T]GTACATCTCACTGTTTTAATTACTGGTATAAAACTCCAAATAGAAATGAATGTAAAGATT-3'